The following is an entry in ClinVar:

NM_024675.4(PALB2):c.923C>A (p.Ala308Asp)

Gene: PALB2 (partner and localizer of BRCA2; minus strand). Cytogenetic location: 16p12.2.
Variant type: single nucleotide variant.
Coding change: c.923C>A on transcript NM_024675.4 (MANE Select); coding-DNA position 923, C replaced by A.
Protein change: p.Ala308Asp; replaces alanine 308 with aspartic acid.
Molecular consequence: missense variant.
Genome position (GRCh38, 1-based): chr16:23,635,623, G>T on the plus strand (C>A on the coding strand, the complement: PALB2 is on the minus strand). VCF-style: chr16-23635623-G-T. GRCh37 (hg19) VCF-style: chr16-23646944-G-T.
Other names: short protein forms A308D.
Identifiers: ClinVar variation 830125 (VCV000830125.1), dbSNP rs1967009067, ClinGen allele CA395135316.

ClinVar aggregate classification (germline): Uncertain significance (0 of 4 stars; one submission).

Submission:

Leiden Open Variation Database
Classification: Uncertain significance. Last evaluated: 2018-10-10. Review status: no assertion criteria provided. Collection method: curation. Allele origin: germline. Affected: yes.
Comment: Curators: Marc Tischkowitz, Arleen D. Auerbach. Submitter to LOVD: Yukihide Momozawa.

Literature cited by the submitters: PubMed 30287823.